The following is an entry in ClinVar:

ClinVar aggregate classification (germline): Likely benign (1 of 4 stars; one submission).

gnomAD v4.1: 662 of 1,614,204 alleles (0.041%); highest among the groups gnomAD compares: South Asian, 0.7%; 11 homozygotes.

Submission:

CeGaT Center for Human Genetics Tuebingen
Classification: Likely benign. Last evaluated: 2026-07-01. Review status: criteria provided, single submitter. Criteria: CeGaT Center For Human Genetics Tuebingen Variant Classification Criteria Version 2. Collection method: clinical testing. Allele origin: germline. Affected: yes. Observed: 1 variant allele.
Comment: MAPK8IP3: BS1

NM_001318852.2(MAPK8IP3):c.1256A>G (p.Lys419Arg)

Gene: MAPK8IP3 (mitogen-activated protein kinase 8 interacting protein 3; plus strand). Cytogenetic location: 16p13.3.
Variant type: single nucleotide variant.
Coding change: c.1256A>G on transcript NM_001318852.2 (MANE Select); coding-DNA position 1256, A replaced by G.
Protein change: p.Lys419Arg; replaces lysine 419 with arginine.
Molecular consequence: missense variant.
Genome position (GRCh38, 1-based): chr16:1,759,967, A>G. VCF-style: chr16-1759967-A-G. GRCh37 (hg19) VCF-style: chr16-1809968-A-G.
Other names: c.1235A>G, p.Lys412Arg (NM_001040439.2); c.1253A>G, p.Lys418Arg (NM_015133.5); short protein forms K412R, K418R, K419R.
Identifiers: ClinVar variation 5038778 (VCV005038778.1).
Genomic context (GRCh38, chr16:1,759,967, plus strand): 5'-AGTGACCTGTTTTGAAGGGCACAGGTGAAACCTCCGCACCTTCTGTTTCAGGAATGGGCA[A>G]AGAAGTGGGGAATCTGCTACTGGAAAACTCACAGCTTCTGGAAACCAAGTAAGAGTGCCC-3'
Protein context (NP_001305781.1, residues 409-429): SVRDDFFGMG[Lys419Arg]EVGNLLLENS